The following is an entry in ClinVar:

NM_000152.5(GAA):c.2228A>G (p.Gln743Arg)

Gene: GAA (alpha glucosidase; plus strand). Cytogenetic location: 17q25.3.
Variant type: single nucleotide variant.
Coding change: c.2228A>G on transcript NM_000152.5 (MANE Select); coding-DNA position 2228, A replaced by G.
Protein change: p.Gln743Arg; replaces glutamine 743 with arginine.
Molecular consequence: missense variant.
Genome position (GRCh38, 1-based): chr17:80,117,006, A>G. VCF-style: chr17-80117006-A-G. GRCh37 (hg19) VCF-style: chr17-78090805-A-G.
Other names: NM_001079804.3:c.2228A>G; c.2228A>G, p.Gln743Arg (NM_001079803.3, NM_001079804.3); short protein forms Q743R.
Identifiers: ClinVar variation 561162 (VCV000561162.19), dbSNP rs1567838823, ClinGen allele CA401324753.

ClinVar aggregate classification (germline): Likely pathogenic. Review status: reviewed by expert panel (3 of 4 stars). 8 submissions from 8 submitters: Likely pathogenic (1). 7 of the submissions do not count toward it. Last evaluated 2026-09-01.

Conditions:
Glycogen storage disease, type II (IOPD). Also called: GLYCOGENOSIS, GENERALIZED, CARDIAC FORM; GSD II; Glucosidase acid-1,4-alpha deficiency; CARDIOMEGALIA GLYCOGENICA DIFFUSA; Pompe Disease; POMPE DISEASE, INFANTILE-ONSET. Identifiers: Orphanet 365, MedGen C0017921, MONDO:0009290, OMIM 232300.

Allele frequency attached by ClinVar (database versions not stated): gnomAD exomes 0.00002.
gnomAD v4.1: 24 of 1,613,764 alleles (0.0015%); highest among the groups gnomAD compares: Non-Finnish European, 0.002%; no homozygotes.

Submissions (8):

ClinGen Lysosomal Storage Disorder Variant Curation Expert Panel
Classification: Likely pathogenic for Glycogen storage disease, type II. Last evaluated: 2026-09-01. Review status: reviewed by expert panel. Criteria: clingen_lsd_acmg_specifications_v2-1. Collection method: curation. Allele origin: germline. Inheritance: Autosomal recessive inheritance.
Comment: The NM_000152.5:c.2228A>G variant in GAA is a missense variant that results in the substitution of glutamine by arginine at amino acid 743 (p.Gln743Arg). Two probands have been reported with this variant. One individual had documented values showing GAA activity (PMID: 24011652), and was compound heterozygous for the variant and another variant in GAA that has been classified as pathogenic for Pomep disease by the ClinGen LD VCEP, c.-32-13T>G; phase unconfirmed (PMID: 24011652). Another individual with symptoms and muscle histology consistent with late onset Pompe disease was reported to be on ERT and has a similarly affected sister (PMID: 18434155); the allelic data from this proband will be used in the assessment of p.Asp413Glu and is not included here to avoid circular logic (PMID: 18434155) (PP4_Moderate, PM3_Supporting). The highest population minor allele frequency in gnomAD v4.1.0. is 0.00002 (24/1180038 alleles) in the European non-Finnish population, which is lower than the ClinGen Lysosomal Diseases VCEP’s threshold for PM2_Supporting (<0.001), meeting this criterion (PM2_Supporting). When expressed in COS cells, this variant was classified as Class B ("potentially less severe") by Kroos et al, 2012 (PMID:22644586). This includes 0.8% GAA activity in cells and 1.0% in medium, and evidence of abnormal synthesis and processing on Western blot (PS3_Moderate). The computational predictor REVEL gives a score of 0.963 which is above the threshold of 0.7, evidence that correlates with impact to GAA function (PP3). A novel missense change (c.2227C>A, p.Gln743Lys) at the same amino acid residue has been reported (PMID: 22644586) but PM5 was not applied to avoid circularity. In summary, this variant meets the criteria to be classified as Likely Pathogenic for Pompe disease. GAA-specific ACMG/AMP criteria met, based on the specifications of the ClinGen Lysosomal Diseases Variant Curation Expert Panel (Specifications Version 2.0.0): PS3_Moderate, PP4_Moderate, PM2_Supporting, PM3_Supporting, (Classification approved by the ClinGen Lysosomal Diseases Variant Curation Expert Panel on September 1, 2026)

Myriad Genetics, Inc.
Classification: Likely pathogenic for Glycogen storage disease, type II. Last evaluated: 2026-09-03. Review status: criteria provided, single submitter. Criteria: Myriad Autosomal Dominant, Autosomal Recessive and X-Linked Classification Criteria (2023). Collection method: clinical testing. Allele origin: unknown. Not counted in ClinVar's aggregate classification.
Comment: NM_000152.3(GAA):c.2228A>G(Q743R) is a missense variant classified as likely pathogenic in the context of Pompe disease. Q743R has been observed in cases with relevant disease (PMID: 22981821, 18434155, 28490439). Relevant functional assessments of this variant are available in the literature (PMID: 22644586). Q743R has not been observed in referenced population frequency databases. In summary, NM_000152.3(GAA):c.2228A>G(Q743R) is a missense variant that has functional support for pathogenicity and has been observed more frequently in cases with the relevant disease than in healthy populations. Please note: this variant was assessed in the context of healthy population screening.

Genomenon, Inc
Classification: Likely pathogenic for Glycogen storage disease, type II. Last evaluated: 2026-07-01. Review status: criteria provided, single submitter. Criteria: Genomenon Sequence Variant Interpretation Standards - Updated. Collection method: curation. Allele origin: germline. Affected: yes. Not counted in ClinVar's aggregate classification.
Comment: GAA p.Gln743Arg (c.2228A>G) is a missense variant that changes the amino acid at codon 743 from Glutamine to Arginine. This variant has been observed in at least one proband with a GAA-related disorder in the compound heterozygous and/or homozygous state (PMID:33996274;18434155;24011652). At least one functional study has demonstrated a substantial alteration in protein function relative to the wild-type (PMID:22644586). It is absent or not present at a significant frequency in gnomAD. In silico models predict that this variant is possibly or probably damaging. In conclusion, we classify GAA p.Gln743Arg (c.2228A>G) as a likely pathogenic variant.

Labcorp Genetics (formerly Invitae), Labcorp
Classification: Likely pathogenic for Glycogen storage disease, type II. Last evaluated: 2026-01-18. Review status: criteria provided, single submitter. Criteria: Invitae Variant Classification Sherloc (09022015). Collection method: clinical testing. Allele origin: germline. Not counted in ClinVar's aggregate classification.
Comment: This sequence change replaces glutamine, which is neutral and polar, with arginine, which is basic and polar, at codon 743 of the GAA protein (p.Gln743Arg). This variant is not present in population databases (gnomAD no frequency). This missense change has been observed in individuals with Pompe disease (PMID: 18434155, 24011652). ClinVar contains an entry for this variant (Variation ID: 561162). Invitae Evidence Modeling of protein sequence and biophysical properties (such as structural, functional, and spatial information, amino acid conservation, physicochemical variation, residue mobility, and thermodynamic stability) indicates that this missense variant is expected to disrupt GAA protein function with a positive predictive value of 95%. Experimental studies have shown that this missense change affects GAA function (PMID: 22644586). In summary, the currently available evidence indicates that the variant is pathogenic, but additional data are needed to prove that conclusively. Therefore, this variant has been classified as Likely Pathogenic.

Revvity Omics, Revvity
Classification: Likely pathogenic. Last evaluated: 2025-05-01. Review status: criteria provided, single submitter. Criteria: ACMG Guidelines, 2015. Collection method: clinical testing. Allele origin: germline. Not counted in ClinVar's aggregate classification.

Baylor Genetics
Classification: Likely pathogenic for Glycogen storage disease, type II. Last evaluated: 2023-09-27. Review status: criteria provided, single submitter. Criteria: ACMG Guidelines, 2015. Collection method: clinical testing. Allele origin: unknown. Not counted in ClinVar's aggregate classification.

Women's Health and Genetics/Laboratory Corporation of America, LabCorp
Classification: Pathogenic for Glycogen storage disease, type II. Last evaluated: 2022-06-20. Review status: criteria provided, single submitter. Criteria: LabCorp Variant Classification Summary - May 2015. Collection method: clinical testing. Allele origin: germline. Not counted in ClinVar's aggregate classification.
Comment: Variant summary: GAA c.2228A>G (p.Gln743Arg) results in a conservative amino acid change in the encoded protein sequence. Four of five in-silico tools predict a damaging effect of the variant on protein function. The variant was absent in 250916 control chromosomes (gnomAD), but has been reported in the literature in compound heterozygous individuals affected with Glycogen Storage Disease, Type 2 (Pompe Disease) (Dlamini_2008, Kroos_2008, Preisler_2013, Vaeggemose_2021). These data indicate that the variant may be associated with disease. At least one publication reported experimental evidence evaluating an impact on protein function, and demonstrated that the variant caused a significant decrease in protein levels and in enzymatic activity (Kroos_2012). The most pronounced variant effect results in <10% of normal activity. Another clinical diagnostic laboratory has submitted clinical-significance assessments for this variant to ClinVar after 2014 without evidence for independent evaluation and classified the variant as likely pathogenic. Based on the evidence outlined above, the variant was classified as pathogenic.

Natera, Inc.
Classification: Likely pathogenic for Glycogen storage disease type II. Last evaluated: 2021-04-20. Review status: no assertion criteria provided. Collection method: clinical testing. Allele origin: germline. Not counted in ClinVar's aggregate classification.

Literature cited by the submitters: PubMed 18434155 (cited by 4 submitters); PubMed 22644586 (cited by 4 submitters); PubMed 22981821 (cited by Myriad Genetics, Inc.); PubMed 28490439 (cited by Myriad Genetics, Inc. and Women's Health and Genetics/Laboratory Corporation of America, LabCorp); PubMed 33996274 (cited by Genomenon, Inc and Women's Health and Genetics/Laboratory Corporation of America, LabCorp); PubMed 24011652 (cited by 3 submitters); PubMed 18425781 (cited by Women's Health and Genetics/Laboratory Corporation of America, LabCorp); PubMed 29061980 (cited by Women's Health and Genetics/Laboratory Corporation of America, LabCorp).